The following is an entry in ClinVar:

NM_001079802.2(FKTN):c.*1638A>G

Gene: FKTN (fukutin; plus strand). Cytogenetic location: 9q31.2.
Variant type: single nucleotide variant.
Coding change: c.*1638A>G on transcript NM_001079802.2 (MANE Select); 1638 bases downstream of the stop codon, A replaced by G.
Molecular consequence: 3 prime UTR variant. On other transcripts: non-coding transcript variant (2), intron variant (1).
Genome position (GRCh38, 1-based): chr9:105,636,902, A>G. VCF-style: chr9-105636902-A-G. GRCh37 (hg19) VCF-style: chr9-108399183-A-G.
Other names: c.*1638A>G (NM_001351496.2, NM_001351497.2, NM_001351499.2 and 4 more transcripts); c.*1816A>G (NM_001351498.2); c.1270+1754A>G (NM_001198963.2).
Identifiers: ClinVar variation 912583 (VCV000912583.6), dbSNP rs78462952, ClinGen allele CA197462878.
Genomic context (GRCh38, chr9:105,636,902, plus strand): 5'-TTACAACCACCCATTCCGGATTTGTAAAGCAACATGAAAACCTTTGATAAATGATAACCA[A>G]CAGTCTTCTGTCCTAATTTGCATTCTCAATGCAGAATTATTGGGTCTTTCATAAATAACA-3'

ClinVar aggregate classification (germline): Conflicting classifications of pathogenicity. Review status: criteria provided, conflicting classifications (1 of 4 stars). 4 submissions from 3 submitters: Uncertain significance (1); Benign (1); Likely benign (2). Last evaluated 2021-08-26.

Conditions:
Muscular dystrophy-dystroglycanopathy (congenital with brain and eye anomalies), type A, 4 (MDDGA4). Also called: Fukuyama congenital muscular dystrophy; Muscular dystrophy, congenital progressive, with mental retardation; Muscular dystrophy, congenital, with central nervous system involvement; Cerebromuscular dystrophy, Fukuyama type; Congenital muscular dystrophy-dystroglycanopathy with brain and eye anomalies, type A4; Walker-Warburg Syndrome, Fktn-Related. Identifiers: Orphanet 272, Orphanet 588, Orphanet 899, MedGen C0410174, MONDO:0009678, OMIM 253800.
Dilated cardiomyopathy 1X (CMD1X). Also called: FKTN-Related Dilated Cardiomyopathy; CARDIOMYOPATHY, DILATED, WITH MILD OR NO PROXIMAL MUSCLE WEAKNESS. Identifiers: Orphanet 154, MedGen C1969024, MONDO:0012704, OMIM 611615.

Allele frequency attached by ClinVar (database versions not stated): TOPMed 0.01002; 1000 Genomes Project 30x 0.01187; 1000 Genomes Project 0.01278; gnomAD exomes 0.00094; gnomAD 0.00923 and 0.00980.

Submissions (4):

GeneDx
Classification: Likely benign. Last evaluated: 2021-08-26. Review status: criteria provided, single submitter. Criteria: GeneDx Variant Classification Process June 2021. Collection method: clinical testing. Allele origin: germline. Affected: yes.

Blueprint Genetics
Classification: Likely benign. Last evaluated: 2018-06-25. Review status: criteria provided, single submitter. Criteria: ACMG Guidelines, 2015. Collection method: clinical testing. Allele origin: germline.

Illumina Laboratory Services, Illumina
Classification: Benign for Muscular dystrophy-dystroglycanopathy (congenital with brain and eye anomalies), type A, 4. Last evaluated: 2018-01-13. Review status: criteria provided, single submitter. Criteria: ICSL Variant Classification Criteria 13 December 2019. Collection method: clinical testing. Allele origin: germline.
Comment: This variant was observed in the ICSL laboratory as part of a predisposition screen in an ostensibly healthy population. It had not been previously curated by ICSL or reported in the Human Gene Mutation Database (HGMD: prior to June 1st, 2018), and was therefore a candidate for classification through an automated scoring system. Utilizing variant allele frequency, disease prevalence and penetrance estimates, and inheritance mode, an automated score was calculated to assess if this variant is too frequent to cause the disease. Based on the score and internal cut-off values, a variant classified as benign is not then subjected to further curation. The score for this variant resulted in a classification of benign for this disease.

Illumina Laboratory Services, Illumina
Classification: Uncertain significance for Dilated cardiomyopathy 1X. Last evaluated: 2018-01-13. Review status: criteria provided, single submitter. Criteria: ICSL Variant Classification Criteria 13 December 2019. Collection method: clinical testing. Allele origin: germline.